The following is an entry in ClinVar:

NM_015001.3(SPEN):c.6359C>T (p.Ser2120Phe)

Gene: SPEN (spen family transcriptional repressor; plus strand). Cytogenetic location: 1p36.13.
Variant type: single nucleotide variant.
Coding change: c.6359C>T on transcript NM_015001.3 (MANE Select); coding-DNA position 6359, C replaced by T.
Protein change: p.Ser2120Phe; replaces serine 2120 with phenylalanine.
Molecular consequence: missense variant.
Genome position (GRCh38, 1-based): chr1:15,932,599, C>T. VCF-style: chr1-15932599-C-T. GRCh37 (hg19) VCF-style: chr1-16259094-C-T.
Other names: short protein forms S2120F.
Identifiers: ClinVar variation 2631340 (VCV002631340.1), dbSNP rs369316558, ClinGen allele CA619907.

ClinVar aggregate classification (germline): Uncertain significance (1 of 4 stars; one submission).

Conditions:
SPEN-related disorder. Also called: SPEN-related condition.

Allele frequency attached by ClinVar (database versions not stated): gnomAD exomes below 0.00001; ExAC 0.00001; gnomAD 0.00001; TOPMed 0.00001; ESP Exome Variant Server 0.00008.
gnomAD v4.1: 3 of 1,606,252 alleles (0.00019%); highest among the groups gnomAD compares: Non-Finnish European, 0.00026%; no homozygotes.

Submission:

PreventionGenetics, part of Exact Sciences
Classification: Uncertain significance for SPEN-related condition. Last evaluated: 2023-09-03. Review status: criteria provided, single submitter. Criteria: ACMG Guidelines, 2015. Collection method: clinical testing. Allele origin: germline.
Comment: The SPEN c.6359C>T variant is predicted to result in the amino acid substitution p.Ser2120Phe. To our knowledge, this variant has not been reported in the literature. This variant is reported in 0.00089% of alleles in individuals of European (Non-Finnish) descent in gnomAD. At this time, the clinical significance of this variant is uncertain due to the absence of conclusive functional and genetic evidence.